The following is an entry in ClinVar:

NM_133433.4(NIPBL):c.5175G>A (p.Lys1725=)

Gene: NIPBL (NIPBL cohesin loading factor; plus strand). Cytogenetic location: 5p13.2.
Variant type: single nucleotide variant.
Coding change: c.5175G>A on transcript NM_133433.4 (MANE Select); coding-DNA position 5175, G replaced by A.
Protein change: p.Lys1725=; no amino-acid change (lysine 1725 retained).
Molecular consequence: synonymous variant.
Genome position (GRCh38, 1-based): chr5:37,020,623, G>A. VCF-style: chr5-37020623-G-A. GRCh37 (hg19) VCF-style: chr5-37020725-G-A.
Other names: c.5175G>A, p.Lys1725= (NM_001438586.1, NM_015384.5).
Identifiers: ClinVar variation 4985370 (VCV004985370.1).

ClinVar aggregate classification (germline): Likely benign (1 of 4 stars; one submission).

Conditions:
NIPBL-related disorder. Also called: NIPBL-related condition.

gnomAD v4.1: 34 of 1,613,924 alleles (0.0021%); highest among the groups gnomAD compares: African/African-American, 0.025%; no homozygotes.

Submission:

PreventionGenetics, part of Exact Sciences
Classification: Likely benign for NIPBL-related condition. Last evaluated: 2026-01-22. Review status: criteria provided, single submitter. Criteria: ACMG Guidelines, 2015. Collection method: clinical testing. Allele origin: germline.
Comment: This variant is classified as likely benign based on ACMG/AMP sequence variant interpretation guidelines (Richards et al. 2015 PMID: 25741868, with internal and published modifications).